The following is an entry in ClinVar:

NM_006420.3(ARFGEF2):c.-27G>A

Genes: ARFGEF2 (ARF guanine nucleotide exchange factor 2; plus strand), LOC130066080 (ATAC-STARR-seq lymphoblastoid silent region 12991; plus strand). Cytogenetic location: 20q13.13.
Variant type: single nucleotide variant.
Coding change: c.-27G>A on transcript NM_006420.3 (MANE Select); 27 bases upstream of the start codon, G replaced by A.
Molecular consequence: 5 prime UTR variant.
Genome position (GRCh38, 1-based): chr20:48,921,863, G>A. VCF-style: chr20-48921863-G-A. GRCh37 (hg19) VCF-style: chr20-47538400-G-A.
Identifiers: ClinVar variation 377496 (VCV000377496.2), dbSNP rs550163684, ClinGen allele CA9898024.

ClinVar aggregate classification (germline): Likely benign. Review status: criteria provided, multiple submitters, no conflicts (2 of 4 stars). 2 submissions from 2 submitters: Likely benign (2). Last evaluated 2015-11-19.

Allele frequency attached by ClinVar (database versions not stated): gnomAD 0.00032 and 0.00052; TOPMed 0.00033; gnomAD exomes 0.00063 and 0.00155; 1000 Genomes Project 0.00220; ExAC 0.00377.
gnomAD v4.1: 957 of 1,508,868 alleles (0.063%); highest among the groups gnomAD compares: South Asian, 0.65%; 5 homozygotes.

Submissions (2):

GeneDx
Classification: Likely benign. Last evaluated: 2015-11-19. Review status: criteria provided, single submitter. Criteria: GeneDx Variant Classification (06012015). Collection method: clinical testing. Allele origin: germline. Affected: yes.
Comment: This variant is considered likely benign or benign based on one or more of the following criteria: it is a conservative change, it occurs at a poorly conserved position in the protein, it is predicted to be benign by multiple in silico algorithms, and/or has population frequency not consistent with disease.

Breakthrough Genomics
Classification: Likely benign. Review status: criteria provided, single submitter. Criteria: ACMG Guidelines, 2015. Collection method: not provided. Allele origin: germline. Inheritance: Autosomal recessive inheritance. Affected: yes.